The following is an entry in ClinVar:

ClinVar aggregate classification (germline): Uncertain significance (1 of 4 stars; one submission).

Submission:

Labcorp Genetics (formerly Invitae), Labcorp
Classification: Uncertain significance. Last evaluated: 2025-12-02. Review status: criteria provided, single submitter. Criteria: Invitae Variant Classification Sherloc (09022015). Collection method: clinical testing. Allele origin: germline.
Comment: This variant, c.7251_7253del, results in the deletion of 1 amino acid(s) of the PCLO protein (p.Pro2426del), but otherwise preserves the integrity of the reading frame. The frequency data for this variant in the population databases is considered unreliable, as metrics indicate poor data quality at this position in the gnomAD database. This variant has not been reported in the literature in individuals affected with PCLO-related conditions. Experimental studies and prediction algorithms are not available or were not evaluated, and the functional significance of this variant is currently unknown. In summary, the available evidence is currently insufficient to determine the role of this variant in disease. Therefore, it has been classified as a Variant of Uncertain Significance.

NM_033026.6(PCLO):c.7239TCC[4] (p.Pro2426del)

Gene: PCLO (piccolo presynaptic cytomatrix protein; minus strand). Cytogenetic location: 7q21.11.
Variant type: Microsatellite.
Coding change: c.7239TCC[4] on transcript NM_033026.6 (MANE Select); four copies in a row of the 3-base unit TCC starting at c.7239; the reference has five copies in a row; one copy, 3 bases deleted.
Protein change: p.Pro2426del; deletes proline 2426.
Molecular consequence: inframe deletion.
Genome position (GRCh38, 1-based): chr7:82,953,700-82,953,702, GGA deleted on the plus strand (TCC on the coding strand, the reverse complement: PCLO is on the minus strand); deleting any 3 consecutive bases within chr7:82,953,700-82,953,716 gives the same sequence; the position shown is the placement nearest the transcript's 3' end. VCF-style (leftmost placement, unchanged base first): chr7-82953699-TGGA-T. GRCh37 (hg19) VCF-style: chr7-82583015-TGGA-T.
Other names: c.7239TCC[4], p.Pro2426del (NM_014510.3); short protein forms P2426del.
Identifiers: ClinVar variation 2038768 (VCV002038768.2), dbSNP rs756571448, ClinGen allele CA4320336.